The following is an entry in ClinVar:

ClinVar aggregate classification (germline): Uncertain significance (1 of 4 stars; one submission).

Conditions:
Brody myopathy. Also called: BRODY DISEASE. Identifiers: Orphanet 53347, MedGen C1832918, MONDO:0010977, OMIM 601003.

Submission:

Labcorp Genetics (formerly Invitae), Labcorp
Classification: Uncertain significance for Brody myopathy. Last evaluated: 2019-12-28. Review status: criteria provided, single submitter. Criteria: Invitae Variant Classification Sherloc (09022015). Collection method: clinical testing. Allele origin: germline.
Comment: This sequence change replaces asparagine with serine at codon 810 of the ATP2A1 protein (p.Asn810Ser). The asparagine residue is highly conserved and there is a small physicochemical difference between asparagine and serine. This variant is not present in population databases (ExAC no frequency). This variant has not been reported in the literature in individuals with ATP2A1-related conditions. Algorithms developed to predict the effect of missense changes on protein structure and function are either unavailable or do not agree on the potential impact of this missense change (SIFT: "Deleterious"; PolyPhen-2: "Benign"; Align-GVGD: "Class C0"). Algorithms developed to predict the effect of sequence changes on RNA splicing suggest that this variant may create or strengthen a splice site, but this prediction has not been confirmed by published transcriptional studies. In summary, the available evidence is currently insufficient to determine the role of this variant in disease. Therefore, it has been classified as a Variant of Uncertain Significance.

NM_004320.6(ATP2A1):c.2429A>G (p.Asn810Ser)

Gene: ATP2A1 (ATPase sarcoplasmic/endoplasmic reticulum Ca2+ transporting 1; plus strand). Cytogenetic location: 16p11.2.
Variant type: single nucleotide variant.
Coding change: c.2429A>G on transcript NM_004320.6 (MANE Select); coding-DNA position 2429, A replaced by G.
Protein change: p.Asn810Ser; replaces asparagine 810 with serine.
Molecular consequence: missense variant.
Genome position (GRCh38, 1-based): chr16:28,902,291, A>G. VCF-style: chr16-28902291-A-G. GRCh37 (hg19) VCF-style: chr16-28913612-A-G.
Other names: c.2054A>G, p.Asn685Ser (NM_001286075.2); c.2429A>G, p.Asn810Ser (NM_173201.5); short protein forms N810S, N685S.
Identifiers: ClinVar variation 858378 (VCV000858378.12), dbSNP rs1964099692, ClinGen allele CA395413933.
Genomic context (GRCh38, chr16:28,902,291, plus strand): 5'-TGCAGCTGCTATGGGTGAACTTGGTGACCGACGGGCTCCCAGCCACAGCCCTGGGCTTCA[A>G]CCCACCAGACCTGGACATCATGGACCGCCCCCCCCGGAGCCCCAAGGAGCCCCTCATCAG-3'
Protein context (NP_004311.1, residues 800-820): DGLPATALGF[Asn810Ser]PPDLDIMDRP